The following is an entry in ClinVar:

NM_001042492.3(NF1):c.6062G>T (p.Gly2021Val)

Gene: NF1 (neurofibromin 1; plus strand). Cytogenetic location: 17q11.2.
Variant type: single nucleotide variant.
Coding change: c.6062G>T on transcript NM_001042492.3 (MANE Select); coding-DNA position 6062, G replaced by T.
Protein change: p.Gly2021Val; replaces glycine 2021 with valine.
Molecular consequence: missense variant.
Genome position (GRCh38, 1-based): chr17:31,336,388, G>T. VCF-style: chr17-31336388-G-T. GRCh37 (hg19) VCF-style: chr17-29663406-G-T.
Other names: c.5999G>T, p.Gly2000Val (NM_000267.4); short protein forms G2021V, G2000V.
Identifiers: ClinVar variation 2111804 (VCV002111804.5), dbSNP rs1555534605, ClinGen allele CA399011168.
Genomic context (GRCh38, chr17:31,336,388, plus strand): 5'-ACTAGATTACAGATCTGCTTGATGTTGTACTAGACAGTTTCATCAAAACCAGTGCAACAG[G>T]TGGCTTGGGATCAATAAAAGCTGAGGTGATGGCAGATACTGCTGTAGCTTTGGCTTCTGG-3'
Protein context (NP_001035957.1, residues 2011-2031): LDSFIKTSAT[Gly2021Val]GLGSIKAEVM

ClinVar aggregate classification (germline): Uncertain significance. Review status: criteria provided, multiple submitters, no conflicts (2 of 4 stars). 2 submissions from 2 submitters: Uncertain significance (2). Last evaluated 2025-02-16.

Conditions:
Neurofibromatosis, type 1 (NF1). Also called: NEUROFIBROMATOSIS, TYPE I, SOMATIC; Neurofibromatosis, type I; Peripheral type neurofibromatosis; VON RECKLINGHAUSEN DISEASE. Identifiers: Orphanet 636, MedGen C0027831, MONDO:0018975, OMIM 162200. Disease mechanism: loss of function.

Submissions (2):

Laboratory of Genetics, Children's Clinical University Hospital Latvia
Classification: Uncertain significance. Last evaluated: 2025-02-16. Review status: criteria provided, single submitter. Criteria: ACMG Guidelines, 2015. Collection method: clinical testing. Allele origin: germline. Affected: yes.

Labcorp Genetics (formerly Invitae), Labcorp
Classification: Uncertain significance for Neurofibromatosis, type 1. Last evaluated: 2022-04-04. Review status: criteria provided, single submitter. Criteria: Invitae Variant Classification Sherloc (09022015). Collection method: clinical testing. Allele origin: germline.
Comment: This sequence change replaces glycine, which is neutral and non-polar, with valine, which is neutral and non-polar, at codon 2000 of the NF1 protein (p.Gly2000Val). This variant is not present in population databases (gnomAD no frequency). This variant has not been reported in the literature in individuals affected with NF1-related conditions. Advanced modeling of protein sequence and biophysical properties (such as structural, functional, and spatial information, amino acid conservation, physicochemical variation, residue mobility, and thermodynamic stability) performed at Invitae indicates that this missense variant is expected to disrupt NF1 protein function. In summary, the available evidence is currently insufficient to determine the role of this variant in disease. Therefore, it has been classified as a Variant of Uncertain Significance.